The following is an entry in ClinVar:

NM_001918.5(DBT):c.*8552A>T

Gene: DBT (dihydrolipoamide branched chain transacylase E2; minus strand). Cytogenetic location: 1p21.2.
Variant type: single nucleotide variant.
Coding change: c.*8552A>T on transcript NM_001918.5 (MANE Select); 8552 bases downstream of the stop codon, A replaced by T.
Molecular consequence: 3 prime UTR variant.
Genome position (GRCh38, 1-based): chr1:100,187,703, T>A on the plus strand (A>T on the coding strand, the complement: DBT is on the minus strand). VCF-style: chr1-100187703-T-A. GRCh37 (hg19) VCF-style: chr1-100653259-T-A.
Identifiers: ClinVar variation 876136 (VCV000876136.8), dbSNP rs543411196, ClinGen allele CA27596054.

ClinVar aggregate classification (germline): Likely benign. Review status: criteria provided, multiple submitters, no conflicts (2 of 4 stars). 4 submissions from 4 submitters: Likely benign (4). Last evaluated 2023-04-11.

Conditions:
Maple syrup urine disease (MSUD). Identifiers: Orphanet 511, MedGen C0024776, MeSH D008375, MONDO:0009563. Disease mechanism: loss of function.

Allele frequency attached by ClinVar (database versions not stated): 1000 Genomes Project 0.00339; 1000 Genomes Project 30x 0.00390; TOPMed 0.00739; gnomAD 0.00843 and 0.00862.

Submissions (4):

Genome-Nilou Lab
Classification: Likely benign for Maple syrup urine disease type 1A. Last evaluated: 2023-04-11. Review status: criteria provided, single submitter. Criteria: ACMG Guidelines, 2015. Collection method: clinical testing. Allele origin: germline. Affected: no.

GeneDx
Classification: Likely benign. Last evaluated: 2021-02-26. Review status: criteria provided, single submitter. Criteria: GeneDx Variant Classification Process June 2021. Collection method: clinical testing. Allele origin: germline. Affected: yes.

Illumina Laboratory Services, Illumina
Classification: Likely benign for Maple syrup urine disease type 1A. Last evaluated: 2018-01-13. Review status: criteria provided, single submitter. Criteria: ICSL Variant Classification Criteria 13 December 2019. Collection method: clinical testing. Allele origin: germline.
Comment: This variant was observed in the ICSL laboratory as part of a predisposition screen in an ostensibly healthy population. It had not been previously curated by ICSL or reported in the Human Gene Mutation Database (HGMD: prior to June 1st, 2018), and was therefore a candidate for classification through an automated scoring system. Utilizing variant allele frequency, disease prevalence and penetrance estimates, and inheritance mode, an automated score was calculated to assess if this variant is too frequent to cause the disease. Based on the score and internal cut-off values, a variant classified as likely benign is not then subjected to further curation. The score for this variant resulted in a classification of likely benign for this disease.

Breakthrough Genomics
Classification: Likely benign. Review status: criteria provided, single submitter. Criteria: ACMG Guidelines, 2015. Collection method: not provided. Allele origin: germline. Inheritance: Autosomal recessive inheritance. Affected: yes.